The following is an entry in ClinVar:

NM_177438.3(DICER1):c.2045C>T (p.Pro682Leu)

Gene: DICER1 (dicer 1, ribonuclease III; minus strand). Cytogenetic location: 14q32.13.
Variant type: single nucleotide variant.
Coding change: c.2045C>T on transcript NM_177438.3 (MANE Select); coding-DNA position 2045, C replaced by T.
Protein change: p.Pro682Leu; replaces proline 682 with leucine.
Molecular consequence: missense variant.
Genome position (GRCh38, 1-based): chr14:95,112,243, G>A on the plus strand (C>T on the coding strand, the complement: DICER1 is on the minus strand). VCF-style: chr14-95112243-G-A. GRCh37 (hg19) VCF-style: chr14-95578580-G-A.
Other names: c.2045C>T, p.Pro682Leu (NM_001195573.1, NM_001271282.3, NM_001291628.2 and 1 more transcripts); c.2045C>T (NM_177438.2); short protein forms P682L.
Identifiers: ClinVar variation 1024794 (VCV001024794.11), dbSNP rs752621393, ClinGen allele CA265912795.

ClinVar aggregate classification (germline): Uncertain significance. Review status: criteria provided, multiple submitters, no conflicts (2 of 4 stars). 2 submissions from 2 submitters: Uncertain significance (2). Last evaluated 2025-12-24.

Conditions:
Hereditary cancer-predisposing syndrome. Also called: Hereditary neoplastic syndrome; Neoplastic Syndromes, Hereditary; Tumor predisposition; Hereditary Cancer Syndrome. Identifiers: Orphanet 140162, MedGen C0027672, MeSH D009386, MONDO:0015356.
DICER1-related tumor predisposition. Also called: DICER1 syndrome; DICER1-related pleuropulmonary blastoma cancer predisposition syndrome. Identifiers: Orphanet 284343, MedGen C3839822, MONDO:0100216.

Submissions (2):

Labcorp Genetics (formerly Invitae), Labcorp
Classification: Uncertain significance for DICER1-related tumor predisposition. Last evaluated: 2025-12-24. Review status: criteria provided, single submitter. Criteria: Invitae Variant Classification Sherloc (09022015). Collection method: clinical testing. Allele origin: germline.
Comment: This sequence change replaces proline, which is neutral and non-polar, with leucine, which is neutral and non-polar, at codon 682 of the DICER1 protein (p.Pro682Leu). This variant is not present in population databases (gnomAD no frequency). This variant has not been reported in the literature in individuals affected with DICER1-related conditions. ClinVar contains an entry for this variant (Variation ID: 1024794). Invitae Evidence Modeling of protein sequence and biophysical properties (such as structural, functional, and spatial information, amino acid conservation, physicochemical variation, residue mobility, and thermodynamic stability) indicates that this missense variant is not expected to disrupt DICER1 protein function with a negative predictive value of 95%. In summary, the available evidence is currently insufficient to determine the role of this variant in disease. Therefore, it has been classified as a Variant of Uncertain Significance.

Ambry Genetics
Classification: Uncertain significance for Hereditary cancer-predisposing syndrome. Last evaluated: 2024-12-09. Review status: criteria provided, single submitter. Criteria: Ambry Variant Classification Scheme 2023. Collection method: clinical testing. Allele origin: germline.
Comment: The p.P682L variant (also known as c.2045C>T), located in coding exon 12 of the DICER1 gene, results from a C to T substitution at nucleotide position 2045. The proline at codon 682 is replaced by leucine, an amino acid with similar properties. This amino acid position is conserved. In addition, the in silico prediction for this alteration is inconclusive. Based on the available evidence, the clinical significance of this variant remains unclear.